The following is an entry in ClinVar:

NM_001271696.3(ABCB7):c.1387C>T (p.Leu463Phe)

Gene: ABCB7 (ATP binding cassette subfamily B member 7; minus strand). Cytogenetic location: Xq13.3.
Variant type: single nucleotide variant.
Coding change: c.1387C>T on transcript NM_001271696.3 (MANE Select); coding-DNA position 1387, C replaced by T.
Protein change: p.Leu463Phe; replaces leucine 463 with phenylalanine.
Molecular consequence: missense variant.
Genome position (GRCh38, 1-based): chrX:75,069,433, G>A on the plus strand (C>T on the coding strand, the complement: ABCB7 is on the minus strand). VCF-style: chrX-75069433-G-A. GRCh37 (hg19) VCF-style: chrX-74289268-G-A.
Other names: c.1390C>T (NM_004299.4); c.1267C>T, p.Leu423Phe (NM_001271697.3); c.1309C>T, p.Leu437Phe (NM_001271698.3); c.1270C>T, p.Leu424Phe (NM_001271699.3); c.1390C>T, p.Leu464Phe (NM_004299.6); short protein forms L423F, L424F, L463F, L464F, L437F.
Identifiers: ClinVar variation 3125134 (VCV003125134.2), dbSNP rs2081345590, ClinGen allele CA413675828.

ClinVar aggregate classification (germline): Uncertain significance. Review status: criteria provided, multiple submitters, no conflicts (2 of 4 stars). 2 submissions from 2 submitters: Uncertain significance (2). Last evaluated 2026-03-10.

Conditions:
Inborn genetic diseases. Identifiers: MedGen C0950123, MeSH D030342.
ABCB7-related disorder. Also called: ABCB7-related condition.

Submissions (2):

PreventionGenetics, part of Exact Sciences
Classification: Uncertain significance for ABCB7-related condition. Last evaluated: 2026-03-10. Review status: criteria provided, single submitter. Criteria: ACMG Guidelines, 2015. Collection method: clinical testing. Allele origin: germline.
Comment: The ABCB7 c.1390C>T variant is predicted to result in the amino acid substitution p.Leu464Phe. To our knowledge, this variant has not been reported in the literature or in a large population database (gnomAD), indicating this variant is rare. At this time, the clinical significance of this variant is uncertain due to the absence of conclusive functional and genetic evidence.

Ambry Genetics
Classification: Uncertain significance for Inborn genetic diseases. Last evaluated: 2023-12-17. Review status: criteria provided, single submitter. Criteria: Ambry Variant Classification Scheme 2023. Collection method: clinical testing. Allele origin: germline.